The following is an entry in ClinVar:

ClinVar aggregate classification (germline): Pathogenic (1 of 4 stars; one submission).

Conditions:
Inborn genetic diseases. Identifiers: MedGen C0950123, MeSH D030342.

Submission:

Ambry Genetics
Classification: Pathogenic for Inborn genetic diseases. Last evaluated: 2023-12-20. Review status: criteria provided, single submitter. Criteria: Ambry Variant Classification Scheme 2023. Collection method: clinical testing. Allele origin: germline.
Comment: The c.2275_2276dupAT (p.M759Ifs*6) alteration, located in exon 16 (coding exon 16) of the KDM5C gene, consists of a duplication of AT at position 2275, causing a translational frameshift with a predicted alternate stop codon after 6 amino acids. This alteration is expected to result in loss of function by premature protein truncation or nonsense-mediated mRNA decay. This variant was not reported in population-based cohorts in the Genome Aggregation Database (gnomAD). Based on the available evidence, this alteration is classified as pathogenic.

NM_004187.5(KDM5C):c.2275_2276dup (p.Met759fs)

Gene: KDM5C (lysine demethylase 5C; minus strand). Cytogenetic location: Xp11.22.
Variant type: Duplication.
Coding change: c.2275_2276dup on transcript NM_004187.5 (MANE Select); coding-DNA positions 2275 to 2276, 2 bases duplicated (AT; older notation c.2275_2276dupAT).
Protein change: p.Met759fs; shifts the reading frame from methionine 759.
Molecular consequence: frameshift variant. On other transcripts: non-coding transcript variant (3).
Genome position (GRCh38, 1-based): chrX:53,198,856-53,198,857, AT duplicated on the plus strand (AT on the coding strand, the reverse complement: KDM5C is on the minus strand). VCF-style (leftmost placement, unchanged base first): chrX-53198855-C-CAT. GRCh37 (hg19) VCF-style: chrX-53228037-C-CAT.
Other names: c.2074_2075dup, p.Met692fs (NM_001146702.2); c.2272_2273dup, p.Met758fs (NM_001282622.3, NM_001353979.2, NM_001353982.2); c.2275_2276dup, p.Met759fs (NM_001353978.3, NM_001353981.2, NM_001353984.2); short protein forms M692fs, M759fs, M758fs.
Identifiers: ClinVar variation 3113870 (VCV003113870.1), dbSNP rs2519417240, ClinGen allele CA2825002948.